The following is an entry in ClinVar:

ClinVar aggregate classification (germline): Pathogenic. Review status: criteria provided, multiple submitters, no conflicts (2 of 4 stars). 7 submissions from 7 submitters: Pathogenic (4). 3 of the submissions do not count toward it. Last evaluated 2025-10-15.

Conditions:
ATP6V1B1-related disorder. Also called: ATP6V1B1-related condition.
Nephrocalcinosis. Also called: Hypercalcemic nephropathy. Identifiers: MedGen C0027709, MONDO:0001567, HP:0000121.
Polydactyly, postaxial, type A1. Identifiers: MedGen C4282400, MONDO:0008266, OMIM 174200.
Renal tubular acidosis with progressive nerve deafness. Also called: Distal Renal Tubular Acidosis with Progressive Sensorineural Deafness; renal tubular acidosis, distal, 2, with progressive sensorineural hearing loss; RENAL TUBULAR ACIDOSIS, AUTOSOMAL RECESSIVE, WITH PROGRESSIVE NERVE DEAFNESS; RTA WITH PROGRESSIVE NERVE DEAFNESS. Identifiers: MedGen C0403554, MONDO:0009968, OMIM 267300.

Allele frequency attached by ClinVar (database versions not stated): gnomAD exomes below 0.00001.
gnomAD v4.1: 1 of 1,613,816 alleles (0.000062%); highest among the groups gnomAD compares: Middle Eastern, 0.016%; no homozygotes.

Submissions (7):

Myriad Genetics, Inc.
Classification: Pathogenic for Renal tubular acidosis with progressive nerve deafness. Last evaluated: 2025-10-15. Review status: criteria provided, single submitter. Criteria: Myriad Autosomal Dominant, Autosomal Recessive and X-Linked Classification Criteria (2023). Collection method: clinical testing. Allele origin: unknown.
Comment: NM_001692.3(ATP6V1B1):c.175-1G>C is a variant in a canonical splice site classified as pathogenic in the context of distal renal tubular acidosis with deafness, ATP6V1B1-related. c.175-1G>C has been observed in cases with relevant disease (PMID: 16611712, 25285676). Relevant functional assessments of this variant are not available in the literature. c.175-1G>C has not been observed in referenced population frequency databases. In summary, NM_001692.3(ATP6V1B1):c.175-1G>C is a variant in a canonical splice site in a gene where loss of function is a known mechanism of disease, is predicted to disrupt protein function, and has been observed more frequently in cases with the relevant disease than in healthy populations. Please note: this variant was assessed in the context of healthy population screening.

PreventionGenetics, part of Exact Sciences
Classification: Pathogenic for ATP6V1B1-related condition. Last evaluated: 2023-05-23. Review status: criteria provided, single submitter. Criteria: ACMG Guidelines, 2015. Collection method: clinical testing. Allele origin: germline.
Comment: The ATP6V1B1 c.175-1G>C variant is predicted to disrupt the AG splice acceptor site and interfere with normal splicing. This variant has been reported in the homozygous and compound heterozygous states in individuals with renal tubular acidosis with sensorineural deafness (Table 1, referred to as IVS2-1G>C, Vargas-Poussou et al. 2006. PubMed ID: 16611712; Table 1, Nagara et al. 2014. PubMed ID: 25285676; Table 1, Estrada-Cuzcano et al. 2019. PubMed ID: 31549751; Table 1, Dahmani et al. 2019. PubMed ID: 31733597). This variant is reported to be a possible founder mutation in the Tunisian population (Table 1, Nagara et al. 2014. PubMed ID: 25285676). This variant has not been reported in a large population database, indicating this variant is rare. Variants that disrupt the consensus splice acceptor site in ATP6V1B1 are expected to be pathogenic. This variant is interpreted as pathogenic.

Labcorp Genetics (formerly Invitae), Labcorp
Classification: Pathogenic. Last evaluated: 2021-02-22. Review status: criteria provided, single submitter. Criteria: Invitae Variant Classification Sherloc (09022015). Collection method: clinical testing. Allele origin: germline.
Comment: For these reasons, this variant has been classified as Pathogenic. Algorithms developed to predict the effect of sequence changes on RNA splicing suggest that this variant may disrupt the consensus splice site, but this prediction has not been confirmed by published transcriptional studies. This variant has been observed in individual(s) with distal renal tubular acidosis (dRTA) with sensorineural hearing loss (PMID: 16611712, 25285676, 31733597). It has also been observed to segregate with disease in related individuals. This variant is also known as IVS2-1G>C. ClinVar contains an entry for this variant (Variation ID: 638151). This variant is not present in population databases (ExAC no frequency). This sequence change affects an acceptor splice site in intron 2 of the ATP6V1B1 gene. It is expected to disrupt RNA splicing. Variants that disrupt the donor or acceptor splice site typically lead to a loss of protein function (PMID: 16199547), and loss-of-function variants in ATP6V1B1 are known to be pathogenic (PMID: 9916796, 18368028).

Laboratory of Medical Genetics (UMR_S 1112), INSERM/Strasbourg University
Classification: Pathogenic for Postaxial polydactyly; Nephrocalcinosis. Last evaluated: 2019-02-01. Review status: criteria provided, single submitter. Criteria: Submitter's publication. Collection method: research. Allele origin: germline. Inheritance: Autosomal recessive inheritance. Affected: yes. Observed: 2 variant alleles, 1 homozygote.

Clinical Genetics DNA and cytogenetics Diagnostics Lab, Erasmus MC, Erasmus Medical Center
Classification: Pathogenic. Review status: no assertion criteria provided. Collection method: clinical testing. Allele origin: germline. Affected: yes. Study: VKGL Data-share Consensus. Not counted in ClinVar's aggregate classification.

Genome Diagnostics Laboratory, University Medical Center Utrecht
Classification: Pathogenic. Review status: no assertion criteria provided. Collection method: clinical testing. Allele origin: germline. Affected: yes. Study: VKGL Data-share Consensus. Not counted in ClinVar's aggregate classification.

Joint Genome Diagnostic Labs from Nijmegen and Maastricht, Radboudumc and MUMC+
Classification: Pathogenic. Review status: no assertion criteria provided. Collection method: clinical testing. Allele origin: germline. Affected: yes. Study: VKGL Data-share Consensus. Not counted in ClinVar's aggregate classification.

Literature cited by the submitters: PubMed 16611712 (cited by Myriad Genetics, Inc. and Labcorp Genetics (formerly Invitae), Labcorp); PubMed 25285676 (cited by Myriad Genetics, Inc. and Labcorp Genetics (formerly Invitae), Labcorp); PubMed 31733597 (cited by Labcorp Genetics (formerly Invitae), Labcorp); PubMed 16199547 (cited by Labcorp Genetics (formerly Invitae), Labcorp); PubMed 9916796 (cited by Labcorp Genetics (formerly Invitae), Labcorp); PubMed 18368028 (cited by Labcorp Genetics (formerly Invitae), Labcorp).

NM_001692.4(ATP6V1B1):c.175-1G>C

Gene: ATP6V1B1 (ATPase H+ transporting V1 subunit B1; plus strand). Cytogenetic location: 2p13.3.
Variant type: single nucleotide variant.
Coding change: c.175-1G>C on transcript NM_001692.4 (MANE Select); the canonical splice acceptor site of the intron before coding-DNA position 175, G replaced by C.
Molecular consequence: splice acceptor variant.
Genome position (GRCh38, 1-based): chr2:70,958,045, G>C. VCF-style: chr2-70958045-G-C. GRCh37 (hg19) VCF-style: chr2-71185175-G-C.
Identifiers: ClinVar variation 638151 (VCV000638151.18), dbSNP rs1572919267, ClinGen allele CA347180426.